The following is an entry in ClinVar:

ClinVar aggregate classification (germline): Pathogenic (1 of 4 stars; one submission).

Submission:

Labcorp Genetics (formerly Invitae), Labcorp
Classification: Pathogenic. Last evaluated: 2018-07-02. Review status: criteria provided, single submitter. Criteria: Invitae Variant Classification Sherloc (09022015). Collection method: clinical testing. Allele origin: germline.
Comment: This sequence change creates a premature translational stop signal (p.Asn188Lysfs*10) in the FH gene. It is expected to result in an absent or disrupted protein product. This variant is not present in population databases (ExAC no frequency). This variant has not been reported in the literature in individuals with FH-related disease. Loss-of-function variants in FH are known to be pathogenic (PMID: 11865300, 21398687). For these reasons, this variant has been classified as Pathogenic.

Literature cited by the submitters: PubMed 11865300; PubMed 21398687.

NM_000143.4(FH):c.564_587delinsG (p.Asn188fs)

Gene: FH (fumarate hydratase; minus strand). Cytogenetic location: 1q43.
Variant type: Indel.
Coding change: c.564_587delinsG on transcript NM_000143.4 (MANE Select); coding-DNA positions 564 to 587, TGATACTTTTCCCACAGCAATGCA replaced by G.
Protein change: p.Asn188fs; shifts the reading frame from asparagine 188.
Molecular consequence: frameshift variant.
Genome position (GRCh38, 1-based): chr1:241,508,754-241,508,777, TGCATTGCTGTGGGAAAAGTATCA replaced by C on the plus strand (TGATACTTTTCCCACAGCAATGCA replaced by G on the coding strand, the reverse complement: FH is on the minus strand). VCF-style: chr1-241508754-TGCATTGCTGTGGGAAAAGTATCA-C. GRCh37 (hg19) VCF-style: chr1-241672054-TGCATTGCTGTGGGAAAAGTATCA-C.
Other names: short protein forms N188fs.
Identifiers: ClinVar variation 665363 (VCV000665363.6), dbSNP rs1573883310, ClinGen allele CA915942108.
Genomic context (GRCh38, chr1:241,508,754, plus strand): 5'-TCATGTAACTTCTGTAGTCCTGGTAACAGTACTTCATGAACTTCTATTGCAGCAGCAATG[TGCATTGCTGTGGGAAAAGTATCA>C]TTTGAGCTCTGTTGGAAATTTTTCAAAAGAAATATAAAATGTTAAATCAGAGGCAACAAA-3'